The following is an entry in ClinVar:

NM_001355436.2(SPTB):c.326G>C (p.Arg109Pro)

Gene: SPTB (spectrin beta, erythrocytic; minus strand). Cytogenetic location: 14q23.3.
Variant type: single nucleotide variant.
Coding change: c.326G>C on transcript NM_001355436.2 (MANE Select); coding-DNA position 326, G replaced by C.
Protein change: p.Arg109Pro; replaces arginine 109 with proline.
Molecular consequence: missense variant.
Genome position (GRCh38, 1-based): chr14:64,803,755, C>G on the plus strand (G>C on the coding strand, the complement: SPTB is on the minus strand). VCF-style: chr14-64803755-C-G. GRCh37 (hg19) VCF-style: chr14-65270473-C-G.
Other names: c.326G>C, p.Arg109Pro (NM_001024858.4, NM_001355437.2); short protein forms R109P.
Identifiers: ClinVar variation 2860657 (VCV002860657.3), dbSNP rs772172809, ClinGen allele CA390035210.

ClinVar aggregate classification (germline): Uncertain significance (1 of 4 stars; one submission).

Submission:

Labcorp Genetics (formerly Invitae), Labcorp
Classification: Uncertain significance. Last evaluated: 2023-04-29. Review status: criteria provided, single submitter. Criteria: Invitae Variant Classification Sherloc (09022015). Collection method: clinical testing. Allele origin: germline.
Comment: This variant has not been reported in the literature in individuals affected with SPTB-related conditions. This variant is not present in population databases (gnomAD no frequency). This sequence change replaces arginine, which is basic and polar, with proline, which is neutral and non-polar, at codon 109 of the SPTB protein (p.Arg109Pro). An algorithm developed to predict the effect of missense changes on protein structure and function (PolyPhen-2) suggests that this variant is likely to be disruptive. In summary, the available evidence is currently insufficient to determine the role of this variant in disease. Therefore, it has been classified as a Variant of Uncertain Significance.